The following is an entry in ClinVar:

ClinVar aggregate classification (germline): Uncertain significance. Review status: criteria provided, multiple submitters, no conflicts (2 of 4 stars). 2 submissions from 2 submitters: Uncertain significance (2). Last evaluated 2025-08-09.

Allele frequency attached by ClinVar (database versions not stated): gnomAD 0.00003; ESP Exome Variant Server 0.00008; gnomAD exomes below 0.00001; ExAC 0.00001; TOPMed 0.00001.
gnomAD v4.1: 10 of 1,567,520 alleles (0.00064%); highest among the groups gnomAD compares: African/African-American, 0.0027%; no homozygotes.

Submissions (2):

Labcorp Genetics (formerly Invitae), Labcorp
Classification: Uncertain significance. Last evaluated: 2025-08-09. Review status: criteria provided, single submitter. Criteria: Invitae Variant Classification Sherloc (09022015). Collection method: clinical testing. Allele origin: germline.
Comment: This sequence change replaces arginine, which is basic and polar, with glutamine, which is neutral and polar, at codon 485 of the RNF31 protein (p.Arg485Gln). The frequency data for this variant in the population databases is considered unreliable, as metrics indicate poor data quality at this position in the gnomAD database. This variant has not been reported in the literature in individuals affected with RNF31-related conditions. ClinVar contains an entry for this variant (Variation ID: 2301702). An algorithm developed to predict the effect of missense changes on protein structure and function outputs the following: PolyPhen-2: "Benign". The glutamine amino acid residue is found in multiple mammalian species, which suggests that this missense change does not adversely affect protein function. In summary, the available evidence is currently insufficient to determine the role of this variant in disease. Therefore, it has been classified as a Variant of Uncertain Significance.

Ambry Genetics
Classification: Uncertain significance. Last evaluated: 2022-07-13. Review status: criteria provided, single submitter. Criteria: Ambry Variant Classification Scheme 2023. Collection method: clinical testing. Allele origin: germline.

NM_017999.5(RNF31):c.1454G>A (p.Arg485Gln)

Gene: RNF31 (ring finger protein 31; plus strand). Cytogenetic location: 14q12.
Variant type: single nucleotide variant.
Coding change: c.1454G>A on transcript NM_017999.5 (MANE Select); coding-DNA position 1454, G replaced by A.
Protein change: p.Arg485Gln; replaces arginine 485 with glutamine.
Molecular consequence: missense variant.
Genome position (GRCh38, 1-based): chr14:24,150,854, G>A. VCF-style: chr14-24150854-G-A. GRCh37 (hg19) VCF-style: chr14-24620063-G-A.
Other names: c.1001G>A, p.Arg334Gln (NM_001310332.2); short protein forms R334Q, R485Q.
Identifiers: ClinVar variation 2301702 (VCV002301702.3), dbSNP rs369760828, ClinGen allele CA7125771.